The following is an entry in ClinVar:

ClinVar aggregate classification (germline): Uncertain significance. Review status: criteria provided, multiple submitters, no conflicts (2 of 4 stars). 3 submissions from 3 submitters: Uncertain significance (3). Last evaluated 2025-08-25.

Conditions:
Arrhythmogenic cardiomyopathy with wooly hair and keratoderma. Also called: PALMOPLANTAR KERATODERMA WITH LEFT VENTRICULAR CARDIOMYOPATHY AND WOOLLY HAIR; Carvajal syndrome; Dilated cardiomyopathy with woolly hair and keratoderma; Arrhythmogenic cardiomyopathy with woolly hair and keratoderma. Identifiers: Orphanet 65282, MedGen C1854063, MONDO:0011581, OMIM 605676.
Arrhythmogenic right ventricular dysplasia 8 (ARVD8). Also called: Arrhythmogenic Right Ventricular Dysplasia/Cardiomyopathy 8; ARRHYTHMOGENIC RIGHT VENTRICULAR DYSPLASIA, FAMILIAL, 8; ARRHYTHMOGENIC RIGHT VENTRICULAR CARDIOMYOPATHY 8. Identifiers: MedGen C1843896, MONDO:0011831, OMIM 607450.
Cardiomyopathy (CMYO). Also called: Cardiomyopathies. Identifiers: Orphanet 167848, MedGen C0878544, MONDO:0004994, HP:0001638. Inheritance: Various modes of inheritance.

Submissions (3):

Color Diagnostics, LLC DBA Color Health
Classification: Uncertain significance for Cardiomyopathy. Last evaluated: 2025-08-25. Review status: criteria provided, single submitter. Criteria: ACMG Guidelines, 2015. Collection method: clinical testing. Allele origin: germline.
Comment: This missense variant replaces lysine with glutamine at codon 2753 of the DSP protein. Computational prediction suggests that this variant may not impact protein structure and function. To our knowledge, functional studies have not been reported for this variant. This variant has not been reported in individuals affected with DSP-related disorders in the literature. This variant has not been identified in the general population by the Genome Aggregation Database (gnomAD). The available evidence is insufficient to determine the role of this variant in disease conclusively. Therefore, this variant is classified as a Variant of Uncertain Significance.

All of Us Research Program, National Institutes of Health
Classification: Uncertain significance for Arrhythmogenic cardiomyopathy with wooly hair and keratoderma. Last evaluated: 2024-09-23. Review status: criteria provided, single submitter. Criteria: ACMG Guidelines, 2015. Collection method: clinical testing. Allele origin: germline. Inheritance: Autosomal dominant inheritance. Observed: 1 variant allele, 1 heterozygote.
Comment: This study involves interpretation of variants in research participants for the purpose of population health screening. Participant phenotype was not available at the time of variant classification. Additional details can be found in publication PMID: 35346344, PMCID: PMC8962531

Labcorp Genetics (formerly Invitae), Labcorp
Classification: Uncertain significance for Arrhythmogenic cardiomyopathy with wooly hair and keratoderma; Arrhythmogenic right ventricular dysplasia 8. Last evaluated: 2022-08-09. Review status: criteria provided, single submitter. Criteria: Invitae Variant Classification Sherloc (09022015). Collection method: clinical testing. Allele origin: germline.
Comment: This sequence change replaces lysine, which is basic and polar, with glutamine, which is neutral and polar, at codon 2753 of the DSP protein (p.Lys2753Gln). This variant is not present in population databases (gnomAD no frequency). This variant has not been reported in the literature in individuals affected with DSP-related conditions. ClinVar contains an entry for this variant (Variation ID: 534276). Algorithms developed to predict the effect of missense changes on protein structure and function are either unavailable or do not agree on the potential impact of this missense change (SIFT: "Tolerated"; PolyPhen-2: "Possibly Damaging"; Align-GVGD: "Class C0"). In summary, the available evidence is currently insufficient to determine the role of this variant in disease. Therefore, it has been classified as a Variant of Uncertain Significance.

NM_004415.4(DSP):c.8257A>C (p.Lys2753Gln)

Gene: DSP (desmoplakin; plus strand). Cytogenetic location: 6p24.3.
Variant type: single nucleotide variant.
Coding change: c.8257A>C on transcript NM_004415.4 (MANE Select); coding-DNA position 8257, A replaced by C.
Protein change: p.Lys2753Gln; replaces lysine 2753 with glutamine.
Molecular consequence: missense variant.
Genome position (GRCh38, 1-based): chr6:7,585,519, A>C. VCF-style: chr6-7585519-A-C. GRCh37 (hg19) VCF-style: chr6-7585752-A-C.
Other names: c.8257A>C (LRG_423t1); c.6928A>C, p.Lys2310Gln (NM_001319034.2); c.6460A>C, p.Lys2154Gln (NM_001008844.3); short protein forms K2753Q, K2154Q, K2310Q.
Identifiers: ClinVar variation 534276 (VCV000534276.8), dbSNP rs1554109205, ClinGen allele CA362694773.